The following is an entry in ClinVar:

ClinVar aggregate classification (germline): Likely pathogenic (1 of 4 stars; one submission).

Conditions:
Ullrich congenital muscular dystrophy 2 (UCMD2). Identifiers: Orphanet 75840, MedGen C4225314, MONDO:0014654, OMIM 616470.
Bethlem myopathy 2 (BTHLM2). Identifiers: Orphanet 536516, Orphanet 610, MedGen C4225313, MONDO:0034022, OMIM 616471.

Submission:

Labcorp Genetics (formerly Invitae), Labcorp
Classification: Likely pathogenic for Bethlem myopathy 2; Ullrich congenital muscular dystrophy 2. Last evaluated: 2025-10-14. Review status: criteria provided, single submitter. Criteria: Invitae Variant Classification Sherloc (09022015). Collection method: clinical testing. Allele origin: germline.
Comment: This sequence change affects a donor splice site in intron 55 of the COL12A1 gene. It is expected to disrupt RNA splicing. Variants that disrupt the donor or acceptor splice site typically lead to a loss of protein function (PMID: 16199547), and loss-of-function variants in COL12A1 are known to be pathogenic (PMID: 24334604, 28973083). This variant is not present in population databases (gnomAD no frequency). This variant has not been reported in the literature in individuals affected with COL12A1-related conditions. Algorithms developed to predict the effect of sequence changes on RNA splicing suggest that this variant may disrupt the consensus splice site. In summary, the currently available evidence indicates that the variant is pathogenic, but additional data are needed to prove that conclusively. Therefore, this variant has been classified as Likely Pathogenic.

Literature cited by the submitters: PubMed 16199547; PubMed 24334604; PubMed 28973083.

NM_004370.6(COL12A1):c.8319+2T>G

Gene: COL12A1 (collagen type XII alpha 1 chain; minus strand). Cytogenetic location: 6q13.
Variant type: single nucleotide variant.
Coding change: c.8319+2T>G on transcript NM_004370.6 (MANE Select); the canonical splice donor site of the intron after coding-DNA position 8319, T replaced by G.
Molecular consequence: splice donor variant.
Genome position (GRCh38, 1-based): chr6:75,103,755, A>C on the plus strand (T>G on the coding strand, the complement: COL12A1 is on the minus strand). VCF-style: chr6-75103755-A-C. GRCh37 (hg19) VCF-style: chr6-75813471-A-C.
Other names: c.4827+2T>G (NM_001424116.1, NM_080645.3); c.8046+2T>G (NM_001424115.1); c.8298+2T>G (NM_001424114.1); c.8319+2T>G (NM_001424113.1).
Identifiers: ClinVar variation 4786424 (VCV004786424.1).